The following is an entry in ClinVar:

NM_000748.3(CHRNB2):c.1124C>T (p.Ala375Val)

Gene: CHRNB2 (cholinergic receptor nicotinic beta 2 subunit; plus strand). Cytogenetic location: 1q21.3.
Variant type: single nucleotide variant.
Coding change: c.1124C>T on transcript NM_000748.3 (MANE Select); coding-DNA position 1124, C replaced by T.
Protein change: p.Ala375Val; replaces alanine 375 with valine.
Molecular consequence: missense variant.
Genome position (GRCh38, 1-based): chr1:154,571,947, C>T. VCF-style: chr1-154571947-C-T. GRCh37 (hg19) VCF-style: chr1-154544423-C-T.
Other names: short protein forms A375V.
Identifiers: ClinVar variation 4767405 (VCV004767405.1).

ClinVar aggregate classification (germline): Uncertain significance (1 of 4 stars; one submission).

Conditions:
Familial sleep-related hypermotor epilepsy. Also called: Autosomal Dominant Sleep-Related Hypermotor (Hyperkinetic) Epilepsy. Identifiers: Orphanet 98784, MedGen C3696898, MONDO:0000030.

Submission:

Labcorp Genetics (formerly Invitae), Labcorp
Classification: Uncertain significance. Last evaluated: 2025-04-20. Review status: criteria provided, single submitter. Criteria: Invitae Variant Classification Sherloc (09022015). Collection method: clinical testing. Allele origin: germline.
Comment: This sequence change replaces alanine, which is neutral and non-polar, with valine, which is neutral and non-polar, at codon 375 of the CHRNB2 protein (p.Ala375Val). This variant is not present in population databases (gnomAD no frequency). This variant has not been reported in the literature in individuals affected with CHRNB2-related conditions. Invitae Evidence Modeling of protein sequence and biophysical properties (such as structural, functional, and spatial information, amino acid conservation, physicochemical variation, residue mobility, and thermodynamic stability) indicates that this missense variant is not expected to disrupt CHRNB2 protein function with a negative predictive value of 95%. In summary, the available evidence is currently insufficient to determine the role of this variant in disease. Therefore, it has been classified as a Variant of Uncertain Significance.